The following is an entry in ClinVar:

ClinVar aggregate classification (germline): Uncertain significance (1 of 4 stars; one submission).

Conditions:
RYR1-related disorder. Also called: RYR1-related condition; RYR1-related disorders. Identifiers: MedGen CN239331.

Submission:

Labcorp Genetics (formerly Invitae), Labcorp
Classification: Uncertain significance for RYR1-related disorder. Last evaluated: 2022-03-10. Review status: criteria provided, single submitter. Criteria: Invitae Variant Classification Sherloc (09022015). Collection method: clinical testing. Allele origin: germline.
Comment: This variant, c.2345_2347del, results in the deletion of 1 amino acid(s) of the RYR1 protein (p.Phe782del), but otherwise preserves the integrity of the reading frame. This variant is not present in population databases (gnomAD no frequency). This variant has not been reported in the literature in individuals affected with RYR1-related conditions. Experimental studies and prediction algorithms are not available or were not evaluated, and the functional significance of this variant is currently unknown. In summary, the available evidence is currently insufficient to determine the role of this variant in disease. Therefore, it has been classified as a Variant of Uncertain Significance.

NM_000540.3(RYR1):c.2345_2347del (p.Phe782del)

Gene: RYR1 (ryanodine receptor 1; plus strand). Cytogenetic location: 19q13.2.
Variant type: Deletion.
Coding change: c.2345_2347del on transcript NM_000540.3 (MANE Select); coding-DNA positions 2345 to 2347, 3 bases deleted (TCT; older notation c.2345_2347delTCT).
Protein change: p.Phe782del; deletes phenylalanine 782.
Molecular consequence: inframe deletion.
Genome position (GRCh38, 1-based): chr19:38,459,323-38,459,325, TCT deleted; deleting any 3 consecutive bases within chr19:38,459,321-38,459,325 gives the same sequence; the c. name uses the placement nearest the transcript's 3' end. VCF-style (leftmost placement, unchanged base first): chr19-38459320-GCTT-G. GRCh37 (hg19) VCF-style: chr19-38949960-GCTT-G.
Other names: c.2345_2347del, p.Phe782del (NM_001042723.2); short protein forms F782del.
Identifiers: ClinVar variation 2104513 (VCV002104513.4), dbSNP rs2514049669, ClinGen allele CA2580096952.
Genomic context (GRCh38, chr19:38,459,320, plus strand): 5'-GCCCCGTGCAGGGTGTCTTTGAGTCCTTCAACCTGGACGGGCTCTTCTTCCCTGTTGTCA[GCTT>G]CTCGGCTGGTGTCAAGTGAGAACTTGCCCCCACCCCACGGCCAGTCCTCAGACCTAGGAC-3'